The following is an entry in ClinVar:

ClinVar aggregate classification (germline): Conflicting classifications of pathogenicity. Review status: criteria provided, conflicting classifications (1 of 4 stars). 2 submissions from 2 submitters: Likely pathogenic (1); Uncertain significance (1). Last evaluated 2024-02-09.

Conditions:
Combined oxidative phosphorylation deficiency 37 (COXPD37). Identifiers: MedGen C5193031, MONDO:0032679, OMIM 618329.

Submissions (2):

GeneDx
Classification: Likely pathogenic. Last evaluated: 2024-02-09. Review status: criteria provided, single submitter. Criteria: GeneDx Variant Classification Process June 2021. Collection method: clinical testing. Allele origin: germline. Affected: yes.
Comment: Frameshift variant predicted to result in abnormal protein length as the last 68 amino acids are replaced with 38 different amino acids, and other similar variants have been reported in HGMD; Has not been previously published as pathogenic or benign to our knowledge

Royal Medical Services, Bahrain Defence Force Hospital
Classification: Uncertain significance for Combined oxidative phosphorylation deficiency 37. Review status: criteria provided, single submitter. Criteria: ACMG Guidelines, 2015. Collection method: clinical testing. Allele origin: inherited. Inheritance: Autosomal recessive inheritance. Affected: yes. Observed: 1 homozygote.
Comment: The MICOS13 variant c.150del p.(Ala51Profs*39) creates a shift in the reading frame starting at codon 51 in exon(s) no. 2 (of 4). To the best of our knowledge this is a novel variant not previously reported in the literature. ClinVar lists this variant (Interpretation: Likely pathogenic; Variation ID: 1526386). It is classified as variant of uncertain significance based on the ACMG/AMP/ClinGen SVI guidelines.

Literature cited by the submitters: PubMed 27485409 (cited by Royal Medical Services, Bahrain Defence Force Hospital).

NM_205767.3(MICOS13):c.150del (p.Ala51fs)

Genes: MICOS13 (mitochondrial contact site and cristae organizing system subunit 13; minus strand), LOC130063256 (ATAC-STARR-seq lymphoblastoid active region 13805; plus strand). Cytogenetic location: 19p13.3.
Variant type: Deletion.
Coding change: c.150del on transcript NM_205767.3 (MANE Select); coding-DNA position 150, one base deleted (C; older notation c.150delC).
Protein change: p.Ala51fs; shifts the reading frame from alanine 51.
Molecular consequence: frameshift variant.
Genome position (GRCh38, 1-based): chr19:5,679,643, G deleted on the plus strand (C on the coding strand, the reverse complement: MICOS13 is on the minus strand); the first of 7 consecutive G bases (chr19:5,679,643-5,679,649); deleting any one gives the same sequence. VCF-style (leftmost placement, unchanged base first): chr19-5679642-CG-C. GRCh37 (hg19) VCF-style: chr19-5679653-CG-C.
Other names: c.216del, p.Ala73fs (NM_001308240.2, NM_001365761.2); short protein forms A51fs, A73fs.
Identifiers: ClinVar variation 1526386 (VCV001526386.5), dbSNP rs751944867, ClinGen allele CA9113292.